The following is an entry in ClinVar:

NM_001365951.3(KIF1B):c.505C>G (p.Arg169Gly)

Gene: KIF1B (kinesin family member 1B; plus strand). Cytogenetic location: 1p36.22.
Variant type: single nucleotide variant.
Coding change: c.505C>G on transcript NM_001365951.3 (MANE Select); coding-DNA position 505, C replaced by G.
Protein change: p.Arg169Gly; replaces arginine 169 with glycine.
Molecular consequence: missense variant.
Genome position (GRCh38, 1-based): chr1:10,267,455, C>G. VCF-style: chr1-10267455-C-G. GRCh37 (hg19) VCF-style: chr1-10327513-C-G.
Other names: c.505C>G, p.Arg169Gly (NM_001365952.1, NM_001365953.1, NM_015074.3 and 1 more transcripts); short protein forms R169G.
Identifiers: ClinVar variation 3864034 (VCV003864034.1).
Genomic context (GRCh38, chr1:10,267,455, plus strand): 5'-ATTTACTGTGAAAGAGTACGAGATTTGCTGAATCCAAAAAACAAGGGTAATTTGCGTGTG[C>G]GTGAACACCCACTTCTTGGACCCTATGTGGAGGATCTGTCCAAGTTGGCAGTTACTTCCT-3'
Protein context (NP_001352880.1, residues 159-179): NPKNKGNLRV[Arg169Gly]EHPLLGPYVE

ClinVar aggregate classification (germline): Uncertain significance (1 of 4 stars; one submission).

Submission:

Ambry Genetics
Classification: Uncertain significance. Last evaluated: 2024-12-12. Review status: criteria provided, single submitter. Criteria: Ambry Variant Classification Scheme 2023. Collection method: clinical testing. Allele origin: germline.
Comment: The p.R169G variant (also known as c.505C>G), located in coding exon 5 of the KIF1B gene, results from a C to G substitution at nucleotide position 505. The arginine at codon 169 is replaced by glycine, an amino acid with dissimilar properties. This amino acid position is conserved. In addition, this alteration is predicted to be deleterious by in silico analysis. Based on the available evidence, the clinical significance of this variant remains unclear.